The following is an entry in ClinVar:

ClinVar aggregate classification (germline): Uncertain significance (1 of 4 stars; one submission).

Conditions:
Hypertrophic cardiomyopathy 26. Also called: Cardiomyopathy, familial hypertrophic, 26. Identifiers: Orphanet 75249, MedGen C4310749, MONDO:0014883, OMIM 617047.
Myofibrillar myopathy 5. Also called: Filaminopathy (type); FILAMINOPATHY, AUTOSOMAL DOMINANT. Identifiers: Orphanet 171445, MedGen C1836050, MONDO:0012289, OMIM 609524.
Distal myopathy with posterior leg and anterior hand involvement. Also called: WILLIAMS DISTAL MYOPATHY. Identifiers: Orphanet 63273, MedGen C3279722, MONDO:0013550, OMIM 614065.

Submission:

Labcorp Genetics (formerly Invitae), Labcorp
Classification: Uncertain significance for Distal myopathy with posterior leg and anterior hand involvement; Myofibrillar myopathy 5; Hypertrophic cardiomyopathy 26. Last evaluated: 2024-02-14. Review status: criteria provided, single submitter. Criteria: Invitae Variant Classification Sherloc (09022015). Collection method: clinical testing. Allele origin: germline.
Comment: This sequence change replaces valine, which is neutral and non-polar, with alanine, which is neutral and non-polar, at codon 547 of the FLNC protein (p.Val547Ala). This variant is not present in population databases (gnomAD no frequency). This variant has not been reported in the literature in individuals affected with FLNC-related conditions. Advanced modeling of protein sequence and biophysical properties (such as structural, functional, and spatial information, amino acid conservation, physicochemical variation, residue mobility, and thermodynamic stability) has been performed at Invitae for this missense variant, however the output from this modeling did not meet the statistical confidence thresholds required to predict the impact of this variant on FLNC protein function. In summary, the available evidence is currently insufficient to determine the role of this variant in disease. Therefore, it has been classified as a Variant of Uncertain Significance.

NM_001458.5(FLNC):c.1640T>C (p.Val547Ala)

Gene: FLNC (filamin C; plus strand). Cytogenetic location: 7q32.1.
Variant type: single nucleotide variant.
Coding change: c.1640T>C on transcript NM_001458.5 (MANE Select); coding-DNA position 1640, T replaced by C.
Protein change: p.Val547Ala; replaces valine 547 with alanine.
Molecular consequence: missense variant.
Genome position (GRCh38, 1-based): chr7:128,840,638, T>C. VCF-style: chr7-128840638-T-C. GRCh37 (hg19) VCF-style: chr7-128480692-T-C.
Other names: c.1640T>C, p.Val547Ala (NM_001127487.2); short protein forms V547A.
Identifiers: ClinVar variation 2953887 (VCV002953887.3), dbSNP rs1359628677, ClinGen allele CA369226737.